The following is an entry in ClinVar:

NM_032545.4(CFC1):c.61A>C (p.Asn21His)

Gene: CFC1 (cryptic, EGF-CFC family member 1; minus strand). Cytogenetic location: 2q21.1.
Variant type: single nucleotide variant.
Coding change: c.61A>C on transcript NM_032545.4 (MANE Select); coding-DNA position 61, A replaced by C.
Protein change: p.Asn21His; replaces asparagine 21 with histidine.
Molecular consequence: missense variant.
Genome position (GRCh38, 1-based): chr2:130,598,922, T>G on the plus strand (A>C on the coding strand, the complement: CFC1 is on the minus strand). VCF-style: chr2-130598922-T-G. GRCh37 (hg19) VCF-style: chr2-131356495-T-G.
Other names: p.N21H:AAT>CAT; c.61A>C, p.Asn21His (NM_001270420.2, NM_001270421.2); short protein forms N21H.
Identifiers: ClinVar variation 136731 (VCV000136731.8), dbSNP rs199607550, ClinGen allele CA290043.

ClinVar aggregate classification (germline): Benign. Review status: criteria provided, multiple submitters, no conflicts (2 of 4 stars). 5 submissions from 5 submitters: Benign (3). 2 of the submissions do not count toward it. Last evaluated 2016-07-22.

Allele frequency attached by ClinVar (database versions not stated): gnomAD exomes 0.01253 and 0.00444; gnomAD 0.03977 and 0.04207; 1000 Genomes Project 30x 0.06683; ExAC 0.02914; 1000 Genomes Project 0.06450.
gnomAD v4.1: 9,853 of 1,099,662 alleles (0.9%); highest among the groups gnomAD compares: African/African-American, 16%; 213 homozygotes.

Submissions (5):

Center for Pediatric Genomic Medicine, Children's Mercy Hospital and Clinics
Classification: Benign. Last evaluated: 2016-07-22. Review status: criteria provided, single submitter. Criteria: ACMG Guidelines, 2015. Collection method: clinical testing. Allele origin: germline.

GeneDx
Classification: Benign. Last evaluated: 2013-08-07. Review status: criteria provided, single submitter. Criteria: GeneDx Variant Classification (06012015). Collection method: clinical testing. Allele origin: germline. Affected: yes.
Comment: This variant is considered likely benign or benign based on one or more of the following criteria: it is a conservative change, it occurs at a poorly conserved position in the protein, it is predicted to be benign by multiple in silico algorithms, and/or has population frequency not consistent with disease.

Breakthrough Genomics
Classification: Benign. Review status: criteria provided, single submitter. Criteria: ACMG Guidelines, 2015. Collection method: not provided. Allele origin: germline. Inheritance: Autosomal dominant inheritance. Affected: yes.

Diagnostic Laboratory, Department of Genetics, University Medical Center Groningen
Classification: Benign. Review status: no assertion criteria provided. Collection method: clinical testing. Allele origin: germline. Affected: yes. Study: VKGL Data-share Consensus. Not counted in ClinVar's aggregate classification.

Joint Genome Diagnostic Labs from Nijmegen and Maastricht, Radboudumc and MUMC+
Classification: Likely benign. Review status: no assertion criteria provided. Collection method: clinical testing. Allele origin: germline. Affected: yes. Study: VKGL Data-share Consensus. Not counted in ClinVar's aggregate classification.